The following is an entry in ClinVar:

ClinVar aggregate classification (germline): Pathogenic (1 of 4 stars; one submission).

Conditions:
Interstitial lung disease due to ABCA3 deficiency. Also called: PULMONARY ALVEOLAR PROTEINOSIS, CONGENITAL, 3. Identifiers: Orphanet 440402, MedGen C1970456, MONDO:0012582, OMIM 610921.

Submission:

Myriad Genetics, Inc.
Classification: Pathogenic for Interstitial lung disease due to ABCA3 deficiency. Last evaluated: 2026-09-07. Review status: criteria provided, single submitter. Criteria: Myriad Autosomal Dominant, Autosomal Recessive and X-Linked Classification Criteria (2023). Collection method: clinical testing. Allele origin: unknown.
Comment: NM_001089.2(ABCA3):c.2038_2048del11(I680Qfs*30) is expected to be pathogenic in the context of surfactant deficiency, ABCA3-related. This variant is predicted to lead to an abnormal or absent protein product due to the creation of a premature termination codon in ABCA3, a gene where loss-of-function variants are known to be pathogenic. Please note: this variant was assessed in the context of healthy population screening.

NM_001089.3(ABCA3):c.2038_2048del (p.Ile680fs)

Gene: ABCA3 (ATP binding cassette subfamily A member 3; minus strand). Cytogenetic location: 16p13.3.
Variant type: Deletion.
Coding change: c.2038_2048del on transcript NM_001089.3 (MANE Select); coding-DNA positions 2038 to 2048, 11 bases deleted (ATCGCAGGCTC).
Protein change: p.Ile680fs; shifts the reading frame from isoleucine 680.
Molecular consequence: frameshift variant.
Genome position (GRCh38, 1-based): chr16:2,297,770-2,297,780, GAGCCTGCGAT deleted on the plus strand (ATCGCAGGCTC on the coding strand, the reverse complement: ABCA3 is on the minus strand); deleting any 11 consecutive bases within chr16:2,297,770-2,297,783 gives the same sequence; the c. name uses the placement nearest the transcript's 3' end. VCF-style (leftmost placement, unchanged base first): chr16-2297769-GGAGCCTGCGAT-G. GRCh37 (hg19) VCF-style: chr16-2347770-GGAGCCTGCGAT-G.
Other names: short protein forms I680fs.
Identifiers: ClinVar variation 5016322 (VCV005016322.1).